The following is an entry in ClinVar:

NM_001288990.3(TSNAXIP1):c.1756G>A (p.Ala586Thr)

Gene: TSNAXIP1 (translin associated factor X interacting protein 1; plus strand). Cytogenetic location: 16q22.1.
Variant type: single nucleotide variant.
Coding change: c.1756G>A on transcript NM_001288990.3 (MANE Select); coding-DNA position 1756, G replaced by A.
Protein change: p.Ala586Thr; replaces alanine 586 with threonine.
Molecular consequence: missense variant.
Genome position (GRCh38, 1-based): chr16:67,827,340, G>A. VCF-style: chr16-67827340-G-A. GRCh37 (hg19) VCF-style: chr16-67861243-G-A.
Other names: c.1549G>A, p.Ala517Thr (NM_001288991.3); c.718G>A, p.Ala240Thr (NM_001288992.3, NM_001288993.3, NM_001288994.3); c.1381G>A, p.Ala461Thr (NM_001351158.2); c.1594G>A, p.Ala532Thr (NM_018430.4); short protein forms A532T, A240T, A517T, A586T, A461T.
Identifiers: ClinVar variation 161717 (VCV000161717.2), dbSNP rs193921053, ClinGen allele CA174654.

ClinVar aggregate classification (germline): Uncertain significance (0 of 4 stars; one submission).

Conditions:
Prostate cancer. Also called: Malignant tumor of prostate. Identifiers: Orphanet 1331, MedGen C0376358, MONDO:0008315, HP:0012125.

Allele frequency attached by ClinVar (database versions not stated): TOPMed below 0.00001.

Submission:

Science for Life laboratory,  Karolinska Institutet
Classification: Uncertain significance for Malignant tumor of prostate. Review status: no assertion criteria provided. Collection method: not provided. Allele origin: somatic.
Comment: TumorID:SWE-9
ClinVar note: Converted during submission from Unknown to Uncertain significance.